The following is an entry in ClinVar:

ClinVar aggregate classification (germline): Uncertain significance (1 of 4 stars; one submission).

Conditions:
Hereditary cancer-predisposing syndrome. Also called: Neoplastic Syndromes, Hereditary; Tumor predisposition; Hereditary neoplastic syndrome; Hereditary Cancer Syndrome. Identifiers: Orphanet 140162, MedGen C0027672, MeSH D009386, MONDO:0015356.
Cardiovascular phenotype. Identifiers: MedGen CN230736.

Submission:

Ambry Genetics
Classification: Uncertain significance for Cardiovascular phenotype; Hereditary cancer-predisposing syndrome. Last evaluated: 2023-10-22. Review status: criteria provided, single submitter. Criteria: Ambry Variant Classification Scheme 2023. Collection method: clinical testing. Allele origin: germline.
Comment: The p.D642E variant (also known as c.1926C>G), located in coding exon 16 of the LZTR1 gene, results from a C to G substitution at nucleotide position 1926. The aspartic acid at codon 642 is replaced by glutamic acid, an amino acid with highly similar properties. This amino acid position is conserved. In addition, this alteration is predicted to be tolerated by in silico analysis. Since supporting evidence is limited at this time, the clinical significance of this alteration remains unclear.

NM_006767.4(LZTR1):c.1926C>G (p.Asp642Glu)

Gene: LZTR1 (leucine zipper like post translational regulator 1; plus strand). Cytogenetic location: 22q11.21.
Variant type: single nucleotide variant.
Coding change: c.1926C>G on transcript NM_006767.4 (MANE Select); coding-DNA position 1926, C replaced by G.
Protein change: p.Asp642Glu; replaces aspartic acid 642 with glutamic acid.
Molecular consequence: missense variant.
Genome position (GRCh38, 1-based): chr22:20,995,010, C>G. VCF-style: chr22-20995010-C-G. GRCh37 (hg19) VCF-style: chr22-21349299-C-G.
Other names: short protein forms D642E.
Identifiers: ClinVar variation 3238166 (VCV003238166.1), dbSNP rs2518622654.